The following is an entry in ClinVar:

NM_001378454.1(ALMS1):c.11908T>C (p.Ser3970Pro)

Genes: ALMS1 (ALMS1 centrosome and basal body associated protein; plus strand), LOC126806252 (BRD4-independent group 4 enhancer GRCh37_chr2:73828496-73829695; plus strand). Cytogenetic location: 2p13.1.
Variant type: single nucleotide variant.
Coding change: c.11908T>C on transcript NM_001378454.1 (MANE Select); coding-DNA position 11908, T replaced by C.
Protein change: p.Ser3970Pro; replaces serine 3970 with proline.
Molecular consequence: missense variant.
Genome position (GRCh38, 1-based): chr2:73,601,230, T>C. VCF-style: chr2-73601230-T-C. GRCh37 (hg19) VCF-style: chr2-73828357-T-C.
Other names: c.11911T>C, p.Ser3971Pro (NM_015120.4); short protein forms S3970P, S3971P.
Identifiers: ClinVar variation 1424687 (VCV001424687.6), dbSNP rs200170158, ClinGen allele CA50337258.

ClinVar aggregate classification (germline): Uncertain significance (1 of 4 stars; one submission).

Conditions:
Alstrom syndrome (ALMS). Identifiers: Orphanet 64, MedGen C0268425, MONDO:0008763, OMIM 203800.

Submission:

Labcorp Genetics (formerly Invitae), Labcorp
Classification: Uncertain significance for Alstrom syndrome. Last evaluated: 2024-06-19. Review status: criteria provided, single submitter. Criteria: Invitae Variant Classification Sherloc (09022015). Collection method: clinical testing. Allele origin: germline.
Comment: This sequence change replaces serine, which is neutral and polar, with proline, which is neutral and non-polar, at codon 3971 of the ALMS1 protein (p.Ser3971Pro). This variant is not present in population databases (gnomAD no frequency). This variant has not been reported in the literature in individuals affected with ALMS1-related conditions. ClinVar contains an entry for this variant (Variation ID: 1424687). Experimental studies and prediction algorithms are not available or were not evaluated, and the functional significance of this variant is currently unknown. In summary, the available evidence is currently insufficient to determine the role of this variant in disease. Therefore, it has been classified as a Variant of Uncertain Significance.